The following is an entry in ClinVar:

ClinVar aggregate classification (germline): Likely pathogenic (1 of 4 stars; one submission).

Conditions:
Autosomal recessive limb-girdle muscular dystrophy type 2J (LGMDR10). Also called: Limb-girdle muscular dystrophy, type 2J; MUSCULAR DYSTROPHY, LIMB-GIRDLE, AUTOSOMAL RECESSIVE 10. Identifiers: Orphanet 140922, MedGen C1837342, MONDO:0012127, OMIM 608807.
Dilated cardiomyopathy 1G (CMD1G). Identifiers: Orphanet 154, MedGen C1858763, MONDO:0011400, OMIM 604145.

Submission:

Labcorp Genetics (formerly Invitae), Labcorp
Classification: Likely pathogenic for Dilated cardiomyopathy 1G; Autosomal recessive limb-girdle muscular dystrophy type 2J. Last evaluated: 2025-11-25. Review status: criteria provided, single submitter. Criteria: Invitae Variant Classification Sherloc (09022015). Collection method: clinical testing. Allele origin: germline.
Comment: This sequence change creates a premature translational stop signal (p.Ser3775Phefs*11) in the TTN gene. While this is not anticipated to result in nonsense mediated decay, it is expected to create a truncated TTN protein. This variant is not present in population databases (gnomAD no frequency). This variant has not been reported in the literature in individuals affected with TTN-related conditions. This variant is located in the I band of TTN (PMID: 25589632). Truncating variants in this region have been reported in individuals affected with autosomal recessive centronuclear myopathy (PMID: 23975875, internal data). Truncating variants in this region have also been identified in individuals affected with autosomal dominant dilated cardiomyopathy and/or cardio-related conditions (PMID: 27869827, 32964742, internal data). In summary, the currently available evidence indicates that the variant is pathogenic, but additional data are needed to prove that conclusively. Therefore, this variant has been classified as Likely Pathogenic.

Literature cited by the submitters: PubMed 25589632; PubMed 23975875; PubMed 27869827; PubMed 32964742.

NM_001267550.2(TTN):c.11324_11325del (p.Ser3775fs)

Gene: TTN (titin; minus strand). Cytogenetic location: 2q31.2.
Variant type: Deletion.
Coding change: c.11324_11325del on transcript NM_001267550.2 (MANE Select); coding-DNA positions 11324 to 11325, 2 bases deleted (CT; older notation c.11324_11325delCT).
Protein change: p.Ser3775fs; shifts the reading frame from serine 3775.
Molecular consequence: frameshift variant. On other transcripts: intron variant (1).
Genome position (GRCh38, 1-based): chr2:178,741,908-178,741,909, AG deleted on the plus strand (CT on the coding strand, the reverse complement: TTN is on the minus strand); deleting any 2 consecutive bases within chr2:178,741,908-178,741,910 gives the same sequence; the c. name uses the placement nearest the transcript's 3' end. VCF-style (leftmost placement, unchanged base first): chr2-178741907-AAG-A. GRCh37 (hg19) VCF-style: chr2-179606634-AAG-A.
Other names: c.10373_10374del, p.Ser3458fs (NM_001256850.1); c.10235_10236del, p.Ser3412fs (NM_003319.4); c.10610_10611del, p.Ser3537fs (NM_133432.3); c.10811_10812del, p.Ser3604fs (NM_133437.4); c.10361-3549_10361-3548del (NM_133378.4); short protein forms S3412fs, S3604fs, S3458fs, S3537fs, S3775fs.
Identifiers: ClinVar variation 4786723 (VCV004786723.1).